The following is an entry in ClinVar:

ClinVar aggregate classification (germline): Pathogenic. Review status: criteria provided, multiple submitters, no conflicts (2 of 4 stars). 4 submissions from 4 submitters: Pathogenic (4). Last evaluated 2024-10-11.

Conditions:
Familial cancer of breast. Also called: BREAST CANCER, FAMILIAL; Hereditary breast cancer; hereditary breast carcinoma. Identifiers: Orphanet 227535, MedGen C0346153, MONDO:0016419, OMIM 114480. Disease mechanism: loss of function.
Hereditary cancer-predisposing syndrome. Also called: Neoplastic Syndromes, Hereditary; Hereditary Cancer Syndrome; Tumor predisposition; Hereditary neoplastic syndrome. Identifiers: Orphanet 140162, MedGen C0027672, MeSH D009386, MONDO:0015356.

Submissions (4):

Ambry Genetics
Classification: Pathogenic for Hereditary cancer-predisposing syndrome. Last evaluated: 2024-10-11. Review status: criteria provided, single submitter. Criteria: Ambry Variant Classification Scheme 2023. Collection method: clinical testing. Allele origin: germline.
Comment: The c.976dupT pathogenic mutation, located in coding exon 4 of the PALB2 gene, results from a duplication of T at nucleotide position 976, causing a translational frameshift with a predicted alternate stop codon (p.S326Ffs*6). This variant is considered to be rare based on population cohorts in the Genome Aggregation Database (gnomAD). In addition to the clinical data presented in the literature, this alteration is expected to result in loss of function by premature protein truncation or nonsense-mediated mRNA decay. As such, this alteration is interpreted as a disease-causing mutation.

Labcorp Genetics (formerly Invitae), Labcorp
Classification: Pathogenic for Familial cancer of breast. Last evaluated: 2023-12-29. Review status: criteria provided, single submitter. Criteria: Invitae Variant Classification Sherloc (09022015). Collection method: clinical testing. Allele origin: germline.
Comment: This sequence change creates a premature translational stop signal (p.Ser326Phefs*6) in the PALB2 gene. It is expected to result in an absent or disrupted protein product. Loss-of-function variants in PALB2 are known to be pathogenic (PMID: 17200668, 17200671, 17200672, 24136930, 25099575). This variant is not present in population databases (gnomAD no frequency). This variant has not been reported in the literature in individuals affected with PALB2-related conditions. ClinVar contains an entry for this variant (Variation ID: 402313). For these reasons, this variant has been classified as Pathogenic.

Myriad Genetics, Inc.
Classification: Pathogenic for Familial cancer of breast. Last evaluated: 2023-09-07. Review status: criteria provided, single submitter. Criteria: Myriad Autosomal Dominant, Autosomal Recessive and X-Linked Classification Criteria (2023). Collection method: clinical testing. Allele origin: unknown.
Comment: This variant is considered pathogenic. This variant creates a frameshift predicted to result in premature protein truncation.

Color Diagnostics, LLC DBA Color Health
Classification: Pathogenic for Hereditary cancer-predisposing syndrome. Last evaluated: 2021-11-22. Review status: criteria provided, single submitter. Criteria: ACMG Guidelines, 2015. Collection method: clinical testing. Allele origin: germline.
Comment: This variant inserts 1 nucleotide in exon 4 of the PALB2 gene, creating a frameshift and premature translation stop signal. This variant is expected to result in an absent or non-functional protein product. To our knowledge, this variant has not been reported in individuals affected with hereditary cancer in the literature. This variant has not been identified in the general population by the Genome Aggregation Database (gnomAD). Loss of PALB2 function is a known mechanism of disease. Based on the available evidence, this variant is classified as Pathogenic.

Literature cited by the submitters: PubMed 29101607 (cited by Ambry Genetics); PubMed 17200668 (cited by Labcorp Genetics (formerly Invitae), Labcorp); PubMed 17200671 (cited by Labcorp Genetics (formerly Invitae), Labcorp); PubMed 17200672 (cited by Labcorp Genetics (formerly Invitae), Labcorp); PubMed 24136930 (cited by Labcorp Genetics (formerly Invitae), Labcorp); PubMed 25099575 (cited by Labcorp Genetics (formerly Invitae), Labcorp).

NM_024675.4(PALB2):c.976dup (p.Ser326fs)

Gene: PALB2 (partner and localizer of BRCA2; minus strand). Cytogenetic location: 16p12.2.
Variant type: Duplication.
Coding change: c.976dup on transcript NM_024675.4 (MANE Select); coding-DNA position 976, one base duplicated (T; older notation c.976dupT).
Protein change: p.Ser326fs; shifts the reading frame from serine 326.
Molecular consequence: frameshift variant.
Genome position (GRCh38, 1-based): chr16:23,635,570, A duplicated on the plus strand (T on the coding strand, the reverse complement: PALB2 is on the minus strand); the first of 3 consecutive A bases (chr16:23,635,570-23,635,572); duplicating any one gives the same sequence. VCF-style (leftmost placement, unchanged base first): chr16-23635569-G-GA. GRCh37 (hg19) VCF-style: chr16-23646890-G-GA.
Other names: c.976dupT (NM_024675.3); short protein forms S326fs.
Identifiers: ClinVar variation 402313 (VCV000402313.15), dbSNP rs1555461517, ClinGen allele CA16609603.